The following is an entry in ClinVar:

NM_001429.4(EP300):c.4902A>G (p.Ala1634=)

Gene: EP300 (EP300 lysine acetyltransferase; plus strand). Cytogenetic location: 22q13.2.
Variant type: single nucleotide variant.
Coding change: c.4902A>G on transcript NM_001429.4 (MANE Select); coding-DNA position 4902, A replaced by G.
Protein change: p.Ala1634=; no amino-acid change (alanine 1634 retained).
Molecular consequence: synonymous variant.
Genome position (GRCh38, 1-based): chr22:41,176,369, A>G. VCF-style: chr22-41176369-A-G. GRCh37 (hg19) VCF-style: chr22-41572373-A-G.
Other names: c.4824A>G, p.Ala1608= (NM_001362843.2).
Identifiers: ClinVar variation 3356708 (VCV003356708.2).

ClinVar aggregate classification (germline): Likely benign. Review status: criteria provided, single submitter (1 of 4 stars). 2 submissions from 2 submitters: Likely benign (1). 1 of the submissions does not count toward it. Last evaluated 2025-06-29.

Conditions:
EP300-related disorder. Also called: EP300-related condition; EP300-related disorders.
Rubinstein-Taybi syndrome due to EP300 haploinsufficiency. Also called: EP300-Related Rubinstein-Taybi Syndrome; RUBINSTEIN-TAYBI SYNDROME 2. Identifiers: Orphanet 353284, Orphanet 783, MedGen C3150941, MONDO:0013364, OMIM 613684.

gnomAD v4.1: 1 of 1,614,192 alleles (0.000062%); highest among the groups gnomAD compares: African/African-American, 0.0013%; no homozygotes.

Submissions (2):

Labcorp Genetics (formerly Invitae), Labcorp
Classification: Likely benign for Rubinstein-Taybi syndrome due to EP300 haploinsufficiency. Last evaluated: 2025-06-29. Review status: criteria provided, single submitter. Criteria: Invitae Variant Classification Sherloc (09022015). Collection method: clinical testing. Allele origin: germline.

PreventionGenetics, part of Exact Sciences
Classification: Likely benign for EP300-related condition. Last evaluated: 2024-05-22. Review status: no assertion criteria provided. Collection method: clinical testing. Allele origin: germline. Not counted in ClinVar's aggregate classification.
Comment: This variant is classified as likely benign based on ACMG/AMP sequence variant interpretation guidelines (Richards et al. 2015 PMID: 25741868, with internal and published modifications).